The following is an entry in ClinVar:

NM_031885.5(BBS2):c.320A>G (p.Asn107Ser)

Gene: BBS2 (Bardet-Biedl syndrome 2; minus strand). Cytogenetic location: 16q13.
Variant type: single nucleotide variant.
Coding change: c.320A>G on transcript NM_031885.5 (MANE Select); coding-DNA position 320, A replaced by G.
Protein change: p.Asn107Ser; replaces asparagine 107 with serine.
Molecular consequence: missense variant. On other transcripts: non-coding transcript variant (5).
Genome position (GRCh38, 1-based): chr16:56,514,478, T>C on the plus strand (A>G on the coding strand, the complement: BBS2 is on the minus strand). VCF-style: chr16-56514478-T-C. GRCh37 (hg19) VCF-style: chr16-56548390-T-C.
Other names: c.320A>G, p.Asn107Ser (NM_001377456.1); c.320A>G (NM_031885.3); short protein forms N107S.
Identifiers: ClinVar variation 1406160 (VCV001406160.5), dbSNP rs1292834581, ClinGen allele CA395985442.

ClinVar aggregate classification (germline): Uncertain significance. Review status: criteria provided, multiple submitters, no conflicts (2 of 4 stars). 3 submissions from 3 submitters: Uncertain significance (3). Last evaluated 2026-05-19.

Conditions:
Bardet-Biedl syndrome 2 (BBS2). Identifiers: Orphanet 110, MedGen C2936863, MONDO:0014432, OMIM 615981.
Retinitis pigmentosa 74 (RP74). Identifiers: Orphanet 791, MedGen C4225281, MONDO:0014692, OMIM 616562.
BBS2-related disorder. Also called: BBS2-related disorders; BBS2-related condition. Identifiers: MedGen CN239228.
Bardet-Biedl syndrome (BBS). Identifiers: Orphanet 110, MedGen C0752166, MONDO:0015229.

Allele frequency attached by ClinVar (database versions not stated): gnomAD exomes 0.00001; gnomAD 0.00003 and 0.00004; TOPMed 0.00004.
gnomAD v4.1: 15 of 1,614,046 alleles (0.00093%); highest among the groups gnomAD compares: African/African-American, 0.0053%; no homozygotes.

Submissions (3):

PreventionGenetics, part of Exact Sciences
Classification: Uncertain significance for BBS2-related condition. Last evaluated: 2026-05-19. Review status: criteria provided, single submitter. Criteria: ACMG Guidelines, 2015. Collection method: clinical testing. Allele origin: germline.
Comment: The BBS2 c.320A>G variant is predicted to result in the amino acid substitution p.Asn107Ser. To our knowledge, this variant has not been reported in the literature. This variant is reported in 0.0040% of alleles in individuals of African descent in gnomAD. At this time, the clinical significance of this variant is uncertain due to the absence of conclusive functional and genetic evidence.

Labcorp Genetics (formerly Invitae), Labcorp
Classification: Uncertain significance for Bardet-Biedl syndrome. Last evaluated: 2022-09-13. Review status: criteria provided, single submitter. Criteria: Invitae Variant Classification Sherloc (09022015). Collection method: clinical testing. Allele origin: germline.
Comment: This sequence change replaces asparagine, which is neutral and polar, with serine, which is neutral and polar, at codon 107 of the BBS2 protein (p.Asn107Ser). This variant is present in population databases (no rsID available, gnomAD 0.004%). This variant has not been reported in the literature in individuals affected with BBS2-related conditions. ClinVar contains an entry for this variant (Variation ID: 1406160). Advanced modeling of protein sequence and biophysical properties (such as structural, functional, and spatial information, amino acid conservation, physicochemical variation, residue mobility, and thermodynamic stability) performed at Invitae indicates that this missense variant is not expected to disrupt BBS2 protein function. Algorithms developed to predict the effect of sequence changes on RNA splicing suggest that this variant may create or strengthen a splice site. In summary, the available evidence is currently insufficient to determine the role of this variant in disease. Therefore, it has been classified as a Variant of Uncertain Significance.

Fulgent Genetics
Classification: Uncertain significance for Bardet-Biedl syndrome 2; Retinitis pigmentosa 74. Last evaluated: 2021-11-10. Review status: criteria provided, single submitter. Criteria: ACMG Guidelines, 2015. Collection method: clinical testing. Allele origin: unknown.